The following is an entry in ClinVar:

NM_017760.7(NCAPG2):c.2548A>C (p.Thr850Pro)

Gene: NCAPG2 (non-SMC condensin II complex subunit G2; minus strand). Cytogenetic location: 7q36.3.
Variant type: single nucleotide variant.
Coding change: c.2548A>C on transcript NM_017760.7 (MANE Select); coding-DNA position 2548, A replaced by C.
Protein change: p.Thr850Pro; replaces threonine 850 with proline.
Molecular consequence: missense variant. On other transcripts: non-coding transcript variant (1).
Genome position (GRCh38, 1-based): chr7:158,655,216, T>G on the plus strand (A>C on the coding strand, the complement: NCAPG2 is on the minus strand). VCF-style: chr7-158655216-T-G. GRCh37 (hg19) VCF-style: chr7-158447908-T-G.
Other names: c.2548A>C, p.Thr850Pro (NM_001281932.2, NM_001281933.2); short protein forms T850P.
Identifiers: ClinVar variation 633700 (VCV000633700.3), dbSNP rs1563515856, ClinGen allele CA370194921.

ClinVar aggregate classification (germline): no classifications from unflagged records (0 of 4 stars; one submission).

Conditions:
Khan-Khan-Katsanis syndrome. Also called: 3K SYNDROME. Identifiers: MedGen C5193110, MONDO:0032764, OMIM 618460.

Submission:

OMIM
Classification: Pathogenic for KHAN-KHAN-KATSANIS SYNDROME. Last evaluated: 2019-07-16. Review status: flagged submission. Collection method: literature only. Allele origin: germline.
ClinVar note: Notes: Flagging candidate with reason of insufficient supporting evidence. This gene has been classified as having a limited gene-disease relationship by a ClinGen Expert Panel.
ClinVar note: Reason: P/LP classification for a variant in a gene with insufficient evidence for a gene-disease relationship

Literature cited by the submitters: PubMed 30609410.